The following is an entry in ClinVar:

ClinVar aggregate classification (germline): Likely benign. Review status: criteria provided, multiple submitters, no conflicts (2 of 4 stars). 3 submissions from 3 submitters: Likely benign (2). 1 of the submissions does not count toward it. Last evaluated 2025-12-16.

Conditions:
Plasma factor XI deficiency.

Allele frequency attached by ClinVar (database versions not stated): gnomAD 0.00004 and 0.00005; TOPMed 0.00007.
gnomAD v4.1: 84 of 1,614,096 alleles (0.0052%); highest among the groups gnomAD compares: East Asian, 0.1%; no homozygotes.

Submissions (3):

Labcorp Genetics (formerly Invitae), Labcorp
Classification: Likely benign. Last evaluated: 2025-12-16. Review status: criteria provided, single submitter. Criteria: Invitae Variant Classification Sherloc (09022015). Collection method: clinical testing. Allele origin: germline.

Mayo Clinic Laboratories, Mayo Clinic
Classification: Likely benign. Last evaluated: 2025-07-31. Review status: criteria provided, single submitter. Criteria: ACMG Guidelines, 2015. Collection method: clinical testing. Allele origin: germline. Observed: 1 variant allele.
Comment: BP4, BP7

Natera, Inc.
Classification: Likely benign for Plasma factor XI deficiency. Last evaluated: 2020-04-20. Review status: no assertion criteria provided. Collection method: clinical testing. Allele origin: germline. Not counted in ClinVar's aggregate classification.

NM_000128.4(F11):c.111G>A (p.Thr37=)

Gene: F11 (coagulation factor XI; plus strand). Cytogenetic location: 4q35.2.
Variant type: single nucleotide variant.
Coding change: c.111G>A on transcript NM_000128.4 (MANE Select); coding-DNA position 111, G replaced by A.
Protein change: p.Thr37=; no amino-acid change (threonine 37 retained).
Molecular consequence: synonymous variant.
Genome position (GRCh38, 1-based): chr4:186,271,664, G>A. VCF-style: chr4-186271664-G-A. GRCh37 (hg19) VCF-style: chr4-187192818-G-A.
Other names: p.Thr37=; c.111G>A, p.Thr37= (NM_001354804.2).
Identifiers: ClinVar variation 750801 (VCV000750801.12), dbSNP rs762996950, ClinGen allele CA3163564.